The following is an entry in ClinVar:

ClinVar aggregate classification (germline): Conflicting classifications of pathogenicity. Review status: criteria provided, conflicting classifications (1 of 4 stars). 4 submissions from 4 submitters: Uncertain significance (1); Likely benign (2). 1 of the submissions does not count toward it. Last evaluated 2026-09-01.

Conditions:
GPSM2-related disorder. Also called: GPSM2-related disorders; GPSM2-related condition.

Allele frequency attached by ClinVar (database versions not stated): gnomAD 0.00010; TOPMed 0.00011; gnomAD exomes 0.00015 and 0.00031; ExAC 0.00026.
gnomAD v4.1: 96 of 1,613,964 alleles (0.0059%); highest among the groups gnomAD compares: Admixed American, 0.16%; 1 homozygote.

Submissions (4):

CeGaT Center for Human Genetics Tuebingen
Classification: Likely benign. Last evaluated: 2026-09-01. Review status: criteria provided, single submitter. Criteria: CeGaT Center For Human Genetics Tuebingen Variant Classification Criteria Version 2. Collection method: clinical testing. Allele origin: germline. Affected: yes. Observed: 1 variant allele.
Comment: GPSM2: BS2

Labcorp Genetics (formerly Invitae), Labcorp
Classification: Likely benign. Last evaluated: 2025-12-06. Review status: criteria provided, single submitter. Criteria: Invitae Variant Classification Sherloc (09022015). Collection method: clinical testing. Allele origin: germline.

GeneDx
Classification: Uncertain significance. Last evaluated: 2025-05-15. Review status: criteria provided, single submitter. Criteria: GeneDx Variant Classification Process June 2021. Collection method: clinical testing. Allele origin: germline. Affected: yes.
Comment: In silico analysis supports that this missense variant has a deleterious effect on protein structure/function; Has not been previously published as pathogenic or benign to our knowledge

PreventionGenetics, part of Exact Sciences
Classification: Likely benign for GPSM2-related condition. Last evaluated: 2024-08-12. Review status: no assertion criteria provided. Collection method: clinical testing. Allele origin: germline. Not counted in ClinVar's aggregate classification.
Comment: This variant is classified as likely benign based on ACMG/AMP sequence variant interpretation guidelines (Richards et al. 2015 PMID: 25741868, with internal and published modifications).

NM_013296.5(GPSM2):c.505G>A (p.Glu169Lys)

Gene: GPSM2 (G protein signaling modulator 2; plus strand). Cytogenetic location: 1p13.3.
Variant type: single nucleotide variant.
Coding change: c.505G>A on transcript NM_013296.5 (MANE Select); coding-DNA position 505, G replaced by A.
Protein change: p.Glu169Lys; replaces glutamic acid 169 with lysine.
Molecular consequence: missense variant.
Genome position (GRCh38, 1-based): chr1:108,898,049, G>A. VCF-style: chr1-108898049-G-A. GRCh37 (hg19) VCF-style: chr1-109440671-G-A.
Other names: c.505G>A, p.Glu169Lys (NM_001321038.2, NM_001321039.3); short protein forms E169K.
Identifiers: ClinVar variation 729626 (VCV000729626.18), dbSNP rs775142959, ClinGen allele CA982813.